The following is an entry in ClinVar:

NM_024675.4(PALB2):c.3147G>A (p.Met1049Ile)

Gene: PALB2 (partner and localizer of BRCA2; minus strand). Cytogenetic location: 16p12.2.
Variant type: single nucleotide variant.
Coding change: c.3147G>A on transcript NM_024675.4 (MANE Select); coding-DNA position 3147, G replaced by A.
Protein change: p.Met1049Ile; replaces methionine 1049 with isoleucine.
Molecular consequence: missense variant. On other transcripts: intron variant (3).
Genome position (GRCh38, 1-based): chr16:23,614,058, C>T on the plus strand (G>A on the coding strand, the complement: PALB2 is on the minus strand). VCF-style: chr16-23614058-C-T. GRCh37 (hg19) VCF-style: chr16-23625379-C-T.
Other names: c.3087G>A, p.Met1029Ile (NM_001407296.1); c.3075G>A, p.Met1025Ile (NM_001407297.1); c.2985G>A, p.Met995Ile (NM_001407298.1, NM_001407302.1); c.2868G>A, p.Met956Ile (NM_001407300.1); c.3147G>A, p.Met1049Ile (NM_001407301.1); c.2262G>A, p.Met754Ile (NM_001407304.1, NM_001407305.1, NM_001407306.1 and 2 more transcripts); c.2100G>A, p.Met700Ile (NM_001407307.1); c.1359G>A, p.Met453Ile (NM_001407312.1, NM_001407313.1); and 3 more; short protein forms M1049I, M227I, M453I, M956I, M1029I, M1025I, M700I, M995I.
Identifiers: ClinVar variation 3650506 (VCV003650506.2).

ClinVar aggregate classification (germline): Uncertain significance (1 of 4 stars; one submission).

Conditions:
Familial cancer of breast. Also called: hereditary breast carcinoma; BREAST CANCER, FAMILIAL; Hereditary breast cancer. Identifiers: Orphanet 227535, MedGen C0346153, MONDO:0016419, OMIM 114480. Disease mechanism: loss of function.

Submission:

Labcorp Genetics (formerly Invitae), Labcorp
Classification: Uncertain significance for Familial cancer of breast. Last evaluated: 2024-05-06. Review status: criteria provided, single submitter. Criteria: Invitae Variant Classification Sherloc (09022015). Collection method: clinical testing. Allele origin: germline.
Comment: This sequence change replaces methionine, which is neutral and non-polar, with isoleucine, which is neutral and non-polar, at codon 1049 of the PALB2 protein (p.Met1049Ile). This variant is not present in population databases (gnomAD no frequency). This variant has not been reported in the literature in individuals affected with PALB2-related conditions. Advanced modeling of protein sequence and biophysical properties (such as structural, functional, and spatial information, amino acid conservation, physicochemical variation, residue mobility, and thermodynamic stability) performed at Invitae indicates that this missense variant is not expected to disrupt PALB2 protein function with a negative predictive value of 80%. In summary, the available evidence is currently insufficient to determine the role of this variant in disease. Therefore, it has been classified as a Variant of Uncertain Significance.